The following is an entry in ClinVar:

ClinVar aggregate classification (germline): Pathogenic/Likely pathogenic. Review status: criteria provided, multiple submitters, no conflicts (2 of 4 stars). 16 submissions from 16 submitters: Pathogenic (10); Likely pathogenic (2). 4 of the submissions do not count toward it. Last evaluated 2025-04-09.

Conditions:
Ceroid lipofuscinosis, neuronal, 6A. Also called: Neuronal ceroid lipofuscinosis, late infantile, variant; Neuronal ceroid lipofuscinosis, Gypsy/Indian early juvenile variant; Neuronal ceroid lipofuscinosis 6; CLN6-Related Neuronal Ceroid-Lipofuscinosis. Identifiers: Orphanet 168491, Orphanet 228363, MedGen C5551375, MONDO:0011144, OMIM 601780.
Ceroid lipofuscinosis, neuronal, 6B (Kufs type). Also called: Neuronal ceroid lipofuscinosis 4A. Identifiers: Orphanet 700477, MedGen C5561927, MONDO:0008768, OMIM 204300.
CLN6-related disorder. Also called: CLN6-related condition.
Neuronal ceroid lipofuscinosis. Also called: Neuronal Ceroid Lipofuscinoses. Identifiers: Orphanet 216, Orphanet 79263, MedGen C0027877, MONDO:0016295. Disease mechanism: loss of function.

Submissions (16):

GeneDx
Classification: Pathogenic. Last evaluated: 2025-04-09. Review status: criteria provided, single submitter. Criteria: GeneDx Variant Classification Process June 2021. Collection method: clinical testing. Allele origin: germline. Affected: yes.
Comment: Published functional studies demonstrate a damaging effect with reduced rate of synthesis and stability (PMID: 20020536); In silico analysis supports a deleterious effect on protein structure/function; In-frame deletion of 1 amino acid(s) in a non-repeat region; Not observed at significant frequency in large population cohorts (gnomAD); This variant is associated with the following publications: (PMID: 11727201, 20301601, 12815591, 21990111, 31589614, 30548430, 29655203, 30831263, 35505348, 12673792, 20020536)

Labcorp Genetics (formerly Invitae), Labcorp
Classification: Pathogenic for Neuronal ceroid lipofuscinosis. Last evaluated: 2025-03-05. Review status: criteria provided, single submitter. Criteria: Invitae Variant Classification Sherloc (09022015). Collection method: clinical testing. Allele origin: germline.
Comment: This variant, c.461_463del, results in the deletion of 1 amino acid(s) of the CLN6 protein (p.Ile154del), but otherwise preserves the integrity of the reading frame. This variant is present in population databases (rs121908080, gnomAD 0.003%). This variant has been observed in individuals with CLN6-related conditions (PMID: 11727201, 12673792, 21990111). ClinVar contains an entry for this variant (Variation ID: 4083). Algorithms developed to predict the effect of variants on gene product structure and function are not available or were not evaluated for this variant. Experimental studies have shown that this variant affects CLN6 function (PMID: 20020536). For these reasons, this variant has been classified as Pathogenic.

Center of Human Genetics, Hôpital Erasme
Classification: Pathogenic for Ceroid lipofuscinosis, neuronal, 6A. Last evaluated: 2025-01-01. Review status: criteria provided, single submitter. Criteria: ACMG Guidelines, 2015. Collection method: clinical testing. Allele origin: inherited. Affected: yes.

Natera, Inc.
Classification: Pathogenic for Ceroid lipofuscinosis, neuronal, 6A. Last evaluated: 2024-08-23. Review status: criteria provided, single submitter. Criteria: Natera Variant Classification Schema (03/2026). Collection method: clinical testing. Allele origin: germline.
Comment: The c.461_463delTCA variant in CLN6 is an in-frame deletion predicted to remove isoleucine at amino acid 154 while preserving the reading frame. This variant is rare in the general population with a frequency below the threshold expected for the associated phenotype(s). This variant has been observed in one or more individuals affected with the associated recessive disease, as either homozygous or compound heterozygous with a second variant (PMID: 11727201, 23180398, 35505348). Functional studies show that this variant may disrupt protein function (PMID: 20020536, 15265688). This variant results in a change to the protein length while preserving reading frame, which may disrupt normal protein structure or function. Computational prediction algorithms indicate this variant is likely to affect gene or protein function. Given the available evidence, this variant is classified as Pathogenic.

3billion
Classification: Pathogenic for Ceroid lipofuscinosis, neuronal, 6A. Last evaluated: 2024-07-15. Review status: criteria provided, single submitter. Criteria: ACMG Guidelines, 2015. Collection method: clinical testing. Allele origin: germline. Affected: yes.
Comment: The variant is observed at an extremely low frequency in the gnomAD v4.0.0 dataset (total allele frequency: <0.001%). Predicted Consequence/Location: Inframe deletion located in a nonrepeat region: predicted to change the length of the protein and disrupt normal protein function. Functional studies provide supporting evidence of the variant having a damaging effect on the gene or gene product (PMID: 20020536). The variant has been reported to be in trans with a pathogenic variant as either compound heterozygous or homozygous in at least one similarly affected unrelated individual (PMID: 11727201, 12673792). The variant has been reported at least twice as pathogenic with clinical assertions and evidence for the classification (ClinVar ID: VCV000004083 /PMID: 11727201 /3billion dataset). Therefore, this variant is classified as Pathogenic according to the recommendation of ACMG/AMP guideline.

Women's Health and Genetics/Laboratory Corporation of America, LabCorp
Classification: Pathogenic for Neuronal ceroid lipofuscinosis. Last evaluated: 2023-02-20. Review status: criteria provided, single submitter. Criteria: LabCorp Variant Classification Summary - May 2015. Collection method: clinical testing. Allele origin: germline.
Comment: Variant summary: CLN6 c.461_463delTCA (p.Ile154del) results in an in-frame deletion that is predicted to remove one amino acid from the encoded protein. The variant allele was found at a frequency of 4e-06 in 251134 control chromosomes (gnomAD). c.461_463delTCA has been reported in the literature in several homozygous and compound heterozygous individuals affected with Neuronal Ceroid-Lipofuscinosis (Batten Disease) (e.g. Teixeira_2003, Bouhouche_2012). These data indicate that the variant is very likely to be associated with disease. At least one publication reported experimental evidence evaluating an impact on protein function, and demonstrated decreased half-life for the variant protein (Kurze_2010). Seven clinical diagnostic laboratories have submitted clinical-significance assessments for this variant to ClinVar after 2014, and all laboratories classified the variant as pathogenic/likely pathogenic. Based on the evidence outlined above, the variant was classified as pathogenic.

MGZ Medical Genetics Center
Classification: Pathogenic for Ceroid lipofuscinosis, neuronal, 6A. Last evaluated: 2022-02-11. Review status: criteria provided, single submitter. Criteria: ACMG Guidelines, 2015. Collection method: clinical testing. Allele origin: germline. Affected: yes. Observed: 1 variant allele.
Comment: ACMG criteria applied: PS4, PM3, PM4, PS3_SUP, PM2_SUP, PP1

Fulgent Genetics
Classification: Likely pathogenic for Ceroid lipofuscinosis, neuronal, 6B (Kufs type); Ceroid lipofuscinosis, neuronal, 6A. Last evaluated: 2021-08-23. Review status: criteria provided, single submitter. Criteria: ACMG Guidelines, 2015. Collection method: clinical testing. Allele origin: unknown.

Blueprint Genetics
Classification: Pathogenic for CLN6-related disorders. Last evaluated: 2021-05-18. Review status: criteria provided, single submitter. Criteria: ACMG Guidelines, 2015. Collection method: clinical testing. Allele origin: germline. Affected: yes. Observed: 2 variant alleles.

Laboratorio de Genetica e Diagnostico Molecular, Hospital Israelita Albert Einstein
Classification: Likely pathogenic. Last evaluated: 2019-12-26. Review status: criteria provided, single submitter. Criteria: ACMG Guidelines, 2015. Collection method: clinical testing. Allele origin: germline. Affected: yes.
Comment: ACMG classification criteria: PS4, PM2, PM3, PM4, PP3

Mendelics
Classification: Pathogenic for Neuronal ceroid lipofuscinosis 1. Last evaluated: 2019-05-28. Review status: criteria provided, single submitter. Criteria: Mendelics Assertion Criteria 2017. Collection method: clinical testing. Allele origin: unknown.

CeGaT Center for Human Genetics Tuebingen
Classification: Pathogenic. Last evaluated: 2017-03-01. Review status: criteria provided, single submitter. Criteria: CeGaT Center For Human Genetics Tuebingen Variant Classification Criteria Version 2. Collection method: clinical testing. Allele origin: germline. Affected: yes. Observed: 1 variant allele.

Counsyl
Classification: Likely pathogenic for Ceroid lipofuscinosis, neuronal, 6A. Last evaluated: 2017-09-18. Review status: no assertion criteria provided. Collection method: clinical testing. Allele origin: unknown. Not counted in ClinVar's aggregate classification.

OMIM
Classification: Pathogenic for CEROID LIPOFUSCINOSIS, NEURONAL, 6A. Last evaluated: 2003-05-01. Review status: no assertion criteria provided. Collection method: literature only. Allele origin: germline. Not counted in ClinVar's aggregate classification.

GeneReviews
No classification provided. Condition: Ceroid lipofuscinosis, neuronal, 6A. Review status: no classification provided. Collection method: literature only. Allele origin: unknown. Not counted in ClinVar's aggregate classification.

Translational Research Program on Neuronal Ceroid Lipofuscinosis, Center for the Study of Inborn Errors of Metabolism
Classification: Pathogenic for Ceroid lipofuscinosis, neuronal, 6A. Review status: no assertion criteria provided. Collection method: research. Allele origin: inherited. Affected: yes. Observed: 1 variant allele. Not counted in ClinVar's aggregate classification.
Comment: Late Infantile NCL

Literature cited by the submitters: PubMed 11727201 (cited by 5 submitters); PubMed 12673792 (cited by 5 submitters); PubMed 21990111 (cited by Labcorp Genetics (formerly Invitae), Labcorp); PubMed 20020536 (cited by 5 submitters); PubMed 23180398 (cited by 3 submitters); PubMed 35505348 (cited by Natera, Inc.); PubMed 15265688 (cited by Natera, Inc. and Counsyl); PubMed 20301601 (cited by GeneReviews); NCBI Bookshelf NBK1428 (cited by GeneReviews).

NC_000015.9:g.68504037_68504039delGAT

Gene: CLN6 (CLN6 transmembrane ER protein; minus strand). Cytogenetic location: 15q23.
Variant type: Microsatellite.
Molecular consequence: inframe deletion (on NM_017882.3).
Genome position: GRCh38 VCF-style: chr15-68211697-TTGA-T. GRCh37 (hg19) VCF-style: chr15-68504035-TTGA-T.
Other names: I154delI; c.458TCA[1], p.Ile154del (NM_017882.3); c.461_463del (NM_017882.3, NM_017882.2); c.461_463delTCA (NM_017882.3); short protein forms I154del.
Identifiers: ClinVar variation 4083 (VCV000004083.63), dbSNP rs121908080, ClinGen allele CA340158.